The following is an entry in ClinVar:

ClinVar aggregate classification (germline): Pathogenic (1 of 4 stars; one submission).

Submission:

Quest Diagnostics Nichols Institute San Juan Capistrano
Classification: Pathogenic. Last evaluated: 2019-12-31. Review status: criteria provided, single submitter. Criteria: Quest Diagnostics criteria. Collection method: clinical testing. Allele origin: unknown.
Comment: The variant results in a shift of the reading frame, and is therefore predicted to result in the loss of a functional protein. Found in at least one patient with expected phenotype for this gene, and not found in general population data.

NM_000059.4(BRCA2):c.9289del (p.Cys3097fs)

Gene: BRCA2 (BRCA2 DNA repair associated; plus strand). Cytogenetic location: 13q13.1.
Variant type: Deletion.
Coding change: c.9289del on transcript NM_000059.4 (MANE Select); coding-DNA position 9289, one base deleted (T; older notation c.9289delT).
Protein change: p.Cys3097fs; shifts the reading frame from cysteine 3097.
Molecular consequence: frameshift variant.
Genome position (GRCh38, 1-based): chr13:32,394,721, T deleted. VCF-style (leftmost placement, unchanged base first): chr13-32394720-AT-A. GRCh37 (hg19) VCF-style: chr13-32968857-AT-A.
Other names: short protein forms C3097fs.
Identifiers: ClinVar variation 993097 (VCV000993097.1), dbSNP rs2073021088, ClinGen allele CA1139663182.